The following is an entry in ClinVar:

ClinVar aggregate classification (germline): Conflicting classifications of pathogenicity. Review status: criteria provided, conflicting classifications (1 of 4 stars). 2 submissions from 2 submitters: Likely pathogenic (1); Uncertain significance (1). Last evaluated 2023-07-13.

Conditions:
RYR1-related disorder. Also called: RYR1-related disorders; RYR1-related condition. Identifiers: MedGen CN239331.

Submissions (2):

Labcorp Genetics (formerly Invitae), Labcorp
Classification: Likely pathogenic for RYR1-related disorder. Last evaluated: 2023-07-13. Review status: criteria provided, single submitter. Criteria: Invitae Variant Classification Sherloc (09022015). Collection method: clinical testing. Allele origin: germline.
Comment: Advanced modeling of protein sequence and biophysical properties (such as structural, functional, and spatial information, amino acid conservation, physicochemical variation, residue mobility, and thermodynamic stability) performed at Invitae indicates that this missense variant is expected to disrupt RYR1 protein function. This variant disrupts the p.Tyr4796 amino acid residue in RYR1. Other variant(s) that disrupt this residue have been determined to be pathogenic (PMID: 11063719, 28687594). This suggests that this residue is clinically significant, and that variants that disrupt this residue are likely to be disease-causing. In summary, the currently available evidence indicates that the variant is pathogenic, but additional data are needed to prove that conclusively. Therefore, this variant has been classified as Likely Pathogenic. ClinVar contains an entry for this variant (Variation ID: 590450). This sequence change replaces tyrosine, which is neutral and polar, with histidine, which is basic and polar, at codon 4796 of the RYR1 protein (p.Tyr4796His). This variant is not present in population databases (gnomAD no frequency). This missense change has been observed in individual(s) with autosomal dominant central core disease (PMID: 30611313).

PreventionGenetics, part of Exact Sciences
Classification: Uncertain significance. Last evaluated: 2013-10-30. Review status: criteria provided, single submitter. Criteria: ACMG Guidelines, 2015. Collection method: clinical testing. Allele origin: germline.

Literature cited by the submitters: PubMed 11063719 (cited by Labcorp Genetics (formerly Invitae), Labcorp); PubMed 28687594 (cited by Labcorp Genetics (formerly Invitae), Labcorp); PubMed 30611313 (cited by Labcorp Genetics (formerly Invitae), Labcorp).

NM_000540.3(RYR1):c.14386T>C (p.Tyr4796His)

Gene: RYR1 (ryanodine receptor 1; plus strand). Cytogenetic location: 19q13.2.
Variant type: single nucleotide variant.
Coding change: c.14386T>C on transcript NM_000540.3 (MANE Select); coding-DNA position 14386, T replaced by C.
Protein change: p.Tyr4796His; replaces tyrosine 4796 with histidine.
Molecular consequence: missense variant.
Genome position (GRCh38, 1-based): chr19:38,580,003, T>C. VCF-style: chr19-38580003-T-C. GRCh37 (hg19) VCF-style: chr19-39070643-T-C.
Other names: c.14371T>C, p.Tyr4791His (NM_001042723.2); short protein forms Y4796H, Y4791H.
Identifiers: ClinVar variation 590450 (VCV000590450.5), dbSNP rs1568604251, ClinGen allele CA405686882.